The following is an entry in ClinVar:

ClinVar aggregate classification (germline): Conflicting classifications of pathogenicity. Review status: criteria provided, conflicting classifications (1 of 4 stars). 6 submissions from 6 submitters: Uncertain significance (3); Benign (1); Likely benign (1). 1 of the submissions does not count toward it. Last evaluated 2026-01-17.

Conditions:
RECQL4-related disorder. Also called: RECQL4-related condition; RECQL4-related disorders.
Rapadilino syndrome. Identifiers: Orphanet 3021, MedGen C1849453, MONDO:0009955, OMIM 266280.
Baller-Gerold syndrome (BGS). Also called: CRANIOSYNOSTOSIS WITH RADIAL DEFECTS. Identifiers: Orphanet 1225, MedGen C0265308, MONDO:0009039, OMIM 218600.
Rothmund-Thomson syndrome type 2 (RTS2). Identifiers: Orphanet 221016, MedGen C5203410, MONDO:0016369, OMIM 268400.
Ovarian cancer. Also called: OVARIAN CANCER, SOMATIC. Identifiers: Orphanet 213500, MedGen C1140680, MONDO:0008170, OMIM 167000.
Rothmund-Thomson syndrome (RTS). Also called: Poikiloderma Congenitale; Poikiloderma of Rothmund-Thomson. Identifiers: Orphanet 2909, MedGen C0032339, MONDO:0010002.

Allele frequency attached by ClinVar (database versions not stated): ExAC 0.00011; gnomAD 0.00013; gnomAD exomes 0.00016; TOPMed 0.00019; 1000 Genomes Project 30x 0.00047; 1000 Genomes Project 0.01617.
gnomAD v4.1: 65 of 1,612,626 alleles (0.004%); highest among the groups gnomAD compares: East Asian, 0.085%; no homozygotes.

Submissions (6):

Labcorp Genetics (formerly Invitae), Labcorp
Classification: Likely benign for Baller-Gerold syndrome. Last evaluated: 2026-01-17. Review status: criteria provided, single submitter. Criteria: Invitae Variant Classification Sherloc (09022015). Collection method: clinical testing. Allele origin: germline.

Laboratory of Molecular Epidemiology of Birth Defects, West China Second University Hospital, Sichuan University
Classification: Benign for Ovarian cancer. Last evaluated: 2022-01-01. Review status: criteria provided, single submitter. Criteria: ACMG Guidelines, 2015. Collection method: clinical testing. Allele origin: germline. Affected: yes.

Revvity Omics, Revvity
Classification: Uncertain significance. Last evaluated: 2021-10-27. Review status: criteria provided, single submitter. Criteria: ACMG Guidelines, 2015. Collection method: clinical testing. Allele origin: germline.

Department of Pathology and Laboratory Medicine, Sinai Health System
Classification: Uncertain significance for Baller-Gerold syndrome; Rapadilino syndrome; Rothmund-Thomson syndrome type 2. Last evaluated: 2020-06-12. Review status: criteria provided, single submitter. Criteria: ACMG Guidelines, 2015. Collection method: research. Allele origin: germline.

Fulgent Genetics
Classification: Uncertain significance for Baller-Gerold syndrome; Rapadilino syndrome; Rothmund-Thomson syndrome type 2. Last evaluated: 2018-10-31. Review status: criteria provided, single submitter. Criteria: ACMG Guidelines, 2015. Collection method: clinical testing. Allele origin: unknown.

PreventionGenetics, part of Exact Sciences
Classification: Likely benign for RECQL4-related condition. Last evaluated: 2023-07-14. Review status: no assertion criteria provided. Collection method: clinical testing. Allele origin: germline. Not counted in ClinVar's aggregate classification.
Comment: This variant is classified as likely benign based on ACMG/AMP sequence variant interpretation guidelines (Richards et al. 2015 PMID: 25741868, with internal and published modifications).

NM_004260.4(RECQL4):c.1345A>C (p.Thr449Pro)

Gene: RECQL4 (RecQ like helicase 4; minus strand). Cytogenetic location: 8q24.3.
Variant type: single nucleotide variant.
Coding change: c.1345A>C on transcript NM_004260.4 (MANE Select); coding-DNA position 1345, A replaced by C.
Protein change: p.Thr449Pro; replaces threonine 449 with proline.
Molecular consequence: missense variant.
Genome position (GRCh38, 1-based): chr8:144,515,371, T>G on the plus strand (A>C on the coding strand, the complement: RECQL4 is on the minus strand). VCF-style: chr8-144515371-T-G. GRCh37 (hg19) VCF-style: chr8-145740755-T-G.
Other names: short protein forms T449P.
Identifiers: ClinVar variation 459315 (VCV000459315.16), dbSNP rs535692036, ClinGen allele CA4948909.